The following is an entry in ClinVar:

NM_001371986.1(UNC80):c.5593A>G (p.Thr1865Ala)

Gene: UNC80 (unc-80 subunit of NALCN channel complex; plus strand). Cytogenetic location: 2q34.
Variant type: single nucleotide variant.
Coding change: c.5593A>G on transcript NM_001371986.1 (MANE Select); coding-DNA position 5593, A replaced by G.
Protein change: p.Thr1865Ala; replaces threonine 1865 with alanine.
Molecular consequence: missense variant.
Genome position (GRCh38, 1-based): chr2:209,922,314, A>G. VCF-style: chr2-209922314-A-G. GRCh37 (hg19) VCF-style: chr2-210787038-A-G.
Other names: c.5395A>G, p.Thr1799Ala (NM_032504.2); c.5380A>G, p.Thr1794Ala (NM_182587.4); c.5395A>G (NM_032504.1); short protein forms T1799A, T1865A, T1794A.
Identifiers: ClinVar variation 1507471 (VCV001507471.7), dbSNP rs574691458, ClinGen allele CA2083303.

ClinVar aggregate classification (germline): Uncertain significance. Review status: criteria provided, multiple submitters, no conflicts (2 of 4 stars). 2 submissions from 2 submitters: Uncertain significance (2). Last evaluated 2025-09-25.

Conditions:
Inborn genetic diseases. Identifiers: MedGen C0950123, MeSH D030342.

Allele frequency attached by ClinVar (database versions not stated): gnomAD exomes 0.00001 and below 0.00001; gnomAD 0.00002 and 0.00003; TOPMed 0.00003; ExAC 0.00004; 1000 Genomes Project 30x 0.00016; 1000 Genomes Project 0.00020.
gnomAD v4.1: 9 of 1,552,104 alleles (0.00058%); highest among the groups gnomAD compares: African/African-American, 0.012%; no homozygotes.

Submissions (2):

Ambry Genetics
Classification: Uncertain significance for Inborn genetic diseases. Last evaluated: 2025-09-25. Review status: criteria provided, single submitter. Criteria: Ambry Variant Classification Scheme 2023. Collection method: clinical testing. Allele origin: germline.

Labcorp Genetics (formerly Invitae), Labcorp
Classification: Uncertain significance. Last evaluated: 2022-07-11. Review status: criteria provided, single submitter. Criteria: Invitae Variant Classification Sherloc (09022015). Collection method: clinical testing. Allele origin: germline.
Comment: This sequence change replaces threonine, which is neutral and polar, with alanine, which is neutral and non-polar, at codon 1799 of the UNC80 protein (p.Thr1799Ala). This variant is present in population databases (rs574691458, gnomAD 0.01%). This variant has not been reported in the literature in individuals affected with UNC80-related conditions. ClinVar contains an entry for this variant (Variation ID: 1507471). Algorithms developed to predict the effect of missense changes on protein structure and function are either unavailable or do not agree on the potential impact of this missense change (SIFT: "Not Available"; PolyPhen-2: "Possibly Damaging"; Align-GVGD: "Not Available"). In summary, the available evidence is currently insufficient to determine the role of this variant in disease. Therefore, it has been classified as a Variant of Uncertain Significance.